The following is an entry in ClinVar:

ClinVar aggregate classification (germline): Uncertain significance (1 of 4 stars; one submission).

Conditions:
Charcot-Marie-Tooth disease type 4. Also called: Charcot-Marie-Tooth disease, type IV; Charcot-Marie-Tooth, Type 4. Identifiers: Orphanet 64749, MedGen C4082197, MONDO:0018995.

Submission:

Labcorp Genetics (formerly Invitae), Labcorp
Classification: Uncertain significance for Charcot-Marie-Tooth disease type 4. Last evaluated: 2022-02-28. Review status: criteria provided, single submitter. Criteria: Invitae Variant Classification Sherloc (09022015). Collection method: clinical testing. Allele origin: germline.
Comment: This variant is not present in population databases (gnomAD no frequency). This sequence change replaces leucine, which is neutral and non-polar, with proline, which is neutral and non-polar, at codon 1101 of the PRX protein (p.Leu1101Pro). This variant has not been reported in the literature in individuals affected with PRX-related conditions. In summary, the available evidence is currently insufficient to determine the role of this variant in disease. Therefore, it has been classified as a Variant of Uncertain Significance. Algorithms developed to predict the effect of missense changes on protein structure and function are either unavailable or do not agree on the potential impact of this missense change (SIFT: "Deleterious"; PolyPhen-2: "Possibly Damaging"; Align-GVGD: "Class C0").

NM_181882.3(PRX):c.3302T>C (p.Leu1101Pro)

Gene: PRX (periaxin; minus strand). Cytogenetic location: 19q13.2.
Variant type: single nucleotide variant.
Coding change: c.3302T>C on transcript NM_181882.3 (MANE Select); coding-DNA position 3302, T replaced by C.
Protein change: p.Leu1101Pro; replaces leucine 1101 with proline.
Molecular consequence: missense variant. On other transcripts: 3 prime UTR variant (1).
Genome position (GRCh38, 1-based): chr19:40,395,050, A>G on the plus strand (T>C on the coding strand, the complement: PRX is on the minus strand). VCF-style: chr19-40395050-A-G. GRCh37 (hg19) VCF-style: chr19-40900957-A-G.
Other names: c.3587T>C, p.Leu1196Pro (NM_001411127.1); c.*3507T>C (NM_020956.2); short protein forms L1196P, L1101P.
Identifiers: ClinVar variation 1895501 (VCV001895501.5), dbSNP rs2514800467, ClinGen allele CA405894393.